The following is an entry in ClinVar:

NM_006019.4(TCIRG1):c.418-21A>G

Gene: TCIRG1 (T cell immune regulator 1, ATPase H+ transporting V0 subunit a3; plus strand). Cytogenetic location: 11q13.2.
Variant type: single nucleotide variant.
Coding change: c.418-21A>G on transcript NM_006019.4 (MANE Select); 21 bases into the intron before coding-DNA position 418, A replaced by G.
Molecular consequence: intron variant.
Genome position (GRCh38, 1-based): chr11:68,042,925, A>G. VCF-style: chr11-68042925-A-G. GRCh37 (hg19) VCF-style: chr11-67810392-A-G.
Other names: c.-832-21A>G (NM_001351059.2).
Identifiers: ClinVar variation 995583 (VCV000995583.4), dbSNP rs1855249165, ClinGen allele CA1139662063.
Genomic context (GRCh38, chr11:68,042,925, plus strand): 5'-TCAGCTCCCACCCAGGCAGGAGACTGGGGGGCTGGGGAGGGGCTGTCCAGCCTAGGGCTC[A>G]TGGTGCTTCTGGGTTCCTAGCTGGCAGCCGCCCACACAGATGGGGCCTCAGAGAGGACGC-3'

ClinVar aggregate classification (germline): Conflicting classifications of pathogenicity. Review status: criteria provided, conflicting classifications (1 of 4 stars). 3 submissions from 3 submitters: Likely pathogenic (1); Uncertain significance (2). Last evaluated 2025-03-25.

Conditions:
Autosomal recessive osteopetrosis 1. Also called: ALBERS-SCHONBERG DISEASE, AUTOSOMAL RECESSIVE; TCIRG1-Related Osteopetrosis; TCIRG1-Related Autosomal Recessive Osteopetrosis. Identifiers: Orphanet 667, MedGen C1850127, MONDO:0009815, OMIM 259700.

Allele frequency attached by ClinVar (database versions not stated): gnomAD exomes below 0.00001; TOPMed below 0.00001.
gnomAD v4.1: 2 of 1,551,356 alleles (0.00013%); highest among the groups gnomAD compares: Non-Finnish European, 0.00017%; no homozygotes.

Submissions (3):

GeneDx
Classification: Uncertain significance. Last evaluated: 2025-03-25. Review status: criteria provided, single submitter. Criteria: GeneDx Variant Classification Process June 2021. Collection method: clinical testing. Allele origin: germline.
Comment: Not observed at significant frequency in large population cohorts (gnomAD); In silico analysis supports a deleterious effect on splicing; This variant is associated with the following publications: (PMID: 34203247, 30539151)

Baylor Genetics
Classification: Likely pathogenic for Autosomal recessive osteopetrosis 1. Last evaluated: 2022-10-22. Review status: criteria provided, single submitter. Criteria: ACMG Guidelines, 2015. Collection method: clinical testing. Allele origin: unknown.

Molecular Diagnostics Laboratory, M Health Fairview: University of Minnesota
Classification: Uncertain significance for Autosomal recessive osteopetrosis 1. Last evaluated: 2020-12-17. Review status: criteria provided, single submitter. Criteria: ACMG Guidelines, 2015. Collection method: clinical testing. Allele origin: germline. Affected: yes.